The following is an entry in ClinVar:

ClinVar aggregate classification (germline): Likely benign (1 of 4 stars; one submission).

Allele frequency attached by ClinVar (database versions not stated): gnomAD exomes 0.00009; TOPMed 0.00009; gnomAD 0.00013; 1000 Genomes Project 30x 0.00021; 1000 Genomes Project 0.00026; ExAC 0.00098.
gnomAD v4.1: 106 of 1,073,285 alleles (0.0099%); highest among the groups gnomAD compares: Non-Finnish European, 0.012%; no homozygotes.

Submission:

CeGaT Center for Human Genetics Tuebingen
Classification: Likely benign. Last evaluated: 2023-03-01. Review status: criteria provided, single submitter. Criteria: CeGaT Center For Human Genetics Tuebingen Variant Classification Criteria Version 2. Collection method: clinical testing. Allele origin: germline. Affected: yes. Observed: 1 variant allele.
Comment: PRKX: BS2

NM_005044.5(PRKX):c.42C>G (p.Ser14Arg)

Gene: PRKX (protein kinase cAMP-dependent X-linked catalytic subunit; minus strand). Cytogenetic location: Xp22.33.
Variant type: single nucleotide variant.
Coding change: c.42C>G on transcript NM_005044.5 (MANE Select); coding-DNA position 42, C replaced by G.
Protein change: p.Ser14Arg; replaces serine 14 with arginine.
Molecular consequence: missense variant.
Genome position (GRCh38, 1-based): chrX:3,713,212, G>C on the plus strand (C>G on the coding strand, the complement: PRKX is on the minus strand). VCF-style: chrX-3713212-G-C. GRCh37 (hg19) VCF-style: chrX-3631253-G-C.
Other names: short protein forms S14R.
Identifiers: ClinVar variation 2659894 (VCV002659894.24), dbSNP rs752597064, ClinGen allele CA10340836.